The following is an entry in ClinVar:

ClinVar aggregate classification (germline): Uncertain significance (1 of 4 stars; one submission).

Submission:

Labcorp Genetics (formerly Invitae), Labcorp
Classification: Uncertain significance. Last evaluated: 2024-04-29. Review status: criteria provided, single submitter. Criteria: Invitae Variant Classification Sherloc (09022015). Collection method: clinical testing. Allele origin: germline.
Comment: This sequence change falls in intron 3 of the LCA5 gene. It does not directly change the encoded amino acid sequence of the LCA5 protein. It affects a nucleotide within the consensus splice site. This variant is not present in population databases (gnomAD no frequency). This variant has not been reported in the literature in individuals affected with LCA5-related conditions. ClinVar contains an entry for this variant (Variation ID: 2007182). Variants that disrupt the consensus splice site are a relatively common cause of aberrant splicing (PMID: 17576681, 9536098). Algorithms developed to predict the effect of sequence changes on RNA splicing suggest that this variant is not likely to affect RNA splicing. In summary, the available evidence is currently insufficient to determine the role of this variant in disease. Therefore, it has been classified as a Variant of Uncertain Significance.

Literature cited by the submitters: PubMed 17576681; PubMed 9536098.

NM_001122769.3(LCA5):c.190+5G>C

Gene: LCA5 (lebercilin LCA5; minus strand). Cytogenetic location: 6q14.1.
Variant type: single nucleotide variant.
Coding change: c.190+5G>C on transcript NM_001122769.3 (MANE Select); 5 bases into the intron after coding-DNA position 190, G replaced by C.
Molecular consequence: intron variant.
Genome position (GRCh38, 1-based): chr6:79,518,700, C>G on the plus strand (G>C on the coding strand, the complement: LCA5 is on the minus strand). VCF-style: chr6-79518700-C-G. GRCh37 (hg19) VCF-style: chr6-80228417-C-G.
Other names: c.190+5G>C (NM_181714.4).
Identifiers: ClinVar variation 2007182 (VCV002007182.4), dbSNP rs2533450926, ClinGen allele CA2580075898.
Genomic context (GRCh38, chr6:79,518,700, plus strand): 5'-ACATTTTCCTTAAGCACTCAAAATGAGTCTTCTAGGTCCACCAGACTCTTTTAAAGAATG[C>G]TTACCTTGGTGATGTACTTGGCCATCTGAAGTTTGTCTTTTAGGATTTTTTCTCCTAACA-3'